The following is an entry in ClinVar:

ClinVar aggregate classification (germline): Likely benign (1 of 4 stars; one submission).

gnomAD v4.1: 3,889 of 1,610,262 alleles (0.24%); highest among the groups gnomAD compares: African/African-American, 4%; 73 homozygotes.

Submission:

Women's Health and Genetics/Laboratory Corporation of America, LabCorp
Classification: Likely benign. Last evaluated: 2026-05-21. Review status: criteria provided, single submitter. Criteria: LabCorp Variant Classification Summary - May 2015. Collection method: clinical testing. Allele origin: germline.
Comment: Variant summary: ARSK c.77G>C (p.Arg26Pro) results in a non-conservative amino acid change in the encoded protein sequence. Algorithms developed to predict the effect of missense changes on protein structure and function are either unavailable or do not agree on the potential impact of this missense change. The variant allele was found at a frequency of 0.0034 in 242320 control chromosomes in the gnomAD database, including 13 homozygotes. The observed variant frequency exceeds the estimated maximal expected allele frequency for disease-causing variants in ARSK. To our knowledge, no occurrence of c.77G>C in individuals affected with ARSK-related conditions and no experimental evidence demonstrating its impact on protein function have been reported. No submitters have cited clinical-significance assessments for this variant to ClinVar. Based on the evidence outlined above, the variant was classified as likely benign.

NM_198150.3(ARSK):c.77G>C (p.Arg26Pro)

Gene: ARSK (arylsulfatase family member K; plus strand). Cytogenetic location: 5q15.
Variant type: single nucleotide variant.
Coding change: c.77G>C on transcript NM_198150.3 (MANE Select); coding-DNA position 77, G replaced by C.
Protein change: p.Arg26Pro; replaces arginine 26 with proline.
Molecular consequence: missense variant.
Genome position (GRCh38, 1-based): chr5:95,555,355, G>C. VCF-style: chr5-95555355-G-C. GRCh37 (hg19) VCF-style: chr5-94891059-G-C.
Other names: short protein forms R26P.
Identifiers: ClinVar variation 4853745 (VCV004853745.1).